The following is an entry in ClinVar:

ClinVar aggregate classification (germline): Uncertain significance. Review status: criteria provided, multiple submitters, no conflicts (2 of 4 stars). 2 submissions from 2 submitters: Uncertain significance (2). Last evaluated 2023-06-28.

Allele frequency attached by ClinVar (database versions not stated): TOPMed 0.00002.
gnomAD v4.1: 4 of 1,613,944 alleles (0.00025%); highest among the groups gnomAD compares: African/African-American, 0.0053%; no homozygotes.

Submissions (2):

Women's Health and Genetics/Laboratory Corporation of America, LabCorp
Classification: Uncertain significance. Last evaluated: 2023-06-28. Review status: criteria provided, single submitter. Criteria: LabCorp Variant Classification Summary - May 2015. Collection method: clinical testing. Allele origin: germline.
Comment: Variant summary: GFAP c.586G>T (p.Glu196X) results in a premature termination codon, predicted to cause absence of the protein due to nonsense mediated decay, however the molecular mechanism of disease attributed to GFAP is gain-of-function. The variant allele was found at a frequency of 8e-06 in 251484 control chromosomes (gnomAD). The available data on variant occurrences in the general population are insufficient to allow any conclusion about variant significance. To our knowledge, no occurrence of c.586G>T in individuals affected with Alexander Disease and no experimental evidence demonstrating its impact on protein function have been reported. One submitter has cited a clinical-significance assessment for this variant to ClinVar after 2014 and has classified the variant as uncertain significance. Based on the evidence outlined above, the variant was classified as uncertain significance.

GeneDx
Classification: Uncertain significance. Last evaluated: 2022-06-28. Review status: criteria provided, single submitter. Criteria: GeneDx Variant Classification Process June 2021. Collection method: clinical testing. Allele origin: germline. Affected: yes.
Comment: Has not been previously published as pathogenic or benign to our knowledge; Nonsense variant predicted to result in protein truncation or nonsense mediated decay in a gene for which loss-of-function is not a known mechanism of disease

NM_002055.5(GFAP):c.586G>T (p.Glu196Ter)

Gene: GFAP (glial fibrillary acidic protein; minus strand). Cytogenetic location: 17q21.31.
Variant type: single nucleotide variant.
Coding change: c.586G>T on transcript NM_002055.5 (MANE Select); coding-DNA position 586, G replaced by T.
Protein change: p.Glu196Ter; replaces glutamic acid 196 with a stop codon.
Molecular consequence: nonsense.
Genome position (GRCh38, 1-based): chr17:44,913,760, C>A on the plus strand (G>T on the coding strand, the complement: GFAP is on the minus strand). VCF-style: chr17-44913760-C-A. GRCh37 (hg19) VCF-style: chr17-42991128-C-A.
Other names: c.586G>T, p.Glu196Ter (NM_001131019.3, NM_001242376.3, NM_001363846.2); short protein forms E196*.
Identifiers: ClinVar variation 1810000 (VCV001810000.2), dbSNP rs199715194, ClinGen allele CA291031428.